The following is an entry in ClinVar:

ClinVar aggregate classification (germline): Uncertain significance (1 of 4 stars; one submission).

Conditions:
Charcot-Marie-Tooth disease type 4. Also called: Charcot-Marie-Tooth, Type 4; Charcot-Marie-Tooth disease, type IV. Identifiers: Orphanet 64749, MedGen C4082197, MONDO:0018995.

Submission:

Labcorp Genetics (formerly Invitae), Labcorp
Classification: Uncertain significance for Charcot-Marie-Tooth disease type 4. Last evaluated: 2021-08-04. Review status: criteria provided, single submitter. Criteria: Invitae Variant Classification Sherloc (09022015). Collection method: clinical testing. Allele origin: germline.
Comment: This variant is a gross deletion of the genomic region encompassing exon(s) 2-6 of the SBF2 gene. This variant would be expected to be in-frame, preserving the integrity of the reading frame. This variant has not been reported in the literature in individuals affected with SBF2-related conditions. Experimental studies and prediction algorithms are not available or were not evaluated, and the functional significance of this variant is currently unknown. In summary, the available evidence is currently insufficient to determine the role of this variant in disease. Therefore, it has been classified as a Variant of Uncertain Significance.

NC_000011.10:g.(?_10028442)_(10193997_?)del

Genes: SBF2 (SET binding factor 2; minus strand), LOC126861137 (MED14-independent group 3 enhancer GRCh37_chr11:10065715-10066914; plus strand). Cytogenetic location: 11p15.4.
Variant type: Deletion.
Identifiers: ClinVar variation 639862 (VCV000639862.8).